The following is an entry in ClinVar:

NM_000447.3(PSEN2):c.1078G>A (p.Val360Met)

Gene: PSEN2 (presenilin 2; plus strand). Cytogenetic location: 1q42.13.
Variant type: single nucleotide variant.
Coding change: c.1078G>A on transcript NM_000447.3 (MANE Select); coding-DNA position 1078, G replaced by A.
Protein change: p.Val360Met; replaces valine 360 with methionine.
Molecular consequence: missense variant.
Genome position (GRCh38, 1-based): chr1:226,894,012, G>A. VCF-style: chr1-226894012-G-A. GRCh37 (hg19) VCF-style: chr1-227081713-G-A.
Other names: c.1075G>A, p.Val359Met (NM_012486.3); short protein forms V359M, V360M.
Identifiers: ClinVar variation 3907248 (VCV003907248.1).

ClinVar aggregate classification (germline): Uncertain significance (1 of 4 stars; one submission).

Submission:

Women's Health and Genetics/Laboratory Corporation of America, LabCorp
Classification: Uncertain significance. Last evaluated: 2025-06-10. Review status: criteria provided, single submitter. Criteria: LabCorp Variant Classification Summary - May 2015. Collection method: clinical testing. Allele origin: germline.
Comment: Variant summary: PSEN2 c.1078G>A (p.Val360Met) results in a conservative amino acid change in the encoded protein sequence. Algorithms developed to predict the effect of missense changes on protein structure and function are either unavailable or do not agree on the potential impact of this missense change. The variant allele was found at a frequency of 2.4e-05 in 251402 control chromosomes. The available data on variant occurrences in the general population are insufficient to allow any conclusion about variant significance. To our knowledge, no occurrence of c.1078G>A in individuals affected with Alzheimer Disease 4 and no experimental evidence demonstrating its impact on protein function have been reported. No submitters have cited clinical-significance assessments for this variant to ClinVar. Based on the evidence outlined above, the variant was classified as uncertain significance.